The following is an entry in ClinVar:

ClinVar aggregate classification (germline): Uncertain significance (1 of 4 stars; one submission).

Conditions:
Hereditary cancer-predisposing syndrome. Also called: Tumor predisposition; Hereditary Cancer Syndrome; Hereditary neoplastic syndrome; Neoplastic Syndromes, Hereditary. Identifiers: Orphanet 140162, MedGen C0027672, MeSH D009386, MONDO:0015356.

gnomAD v4.1: 1 of 1,613,744 alleles (0.000062%); no homozygotes.

Submission:

Ambry Genetics
Classification: Uncertain significance for Hereditary cancer-predisposing syndrome. Last evaluated: 2025-10-21. Review status: criteria provided, single submitter. Criteria: Ambry Variant Classification Scheme 2023. Collection method: clinical testing. Allele origin: germline.
Comment: The p.S147A variant (also known as c.439T>G), located in coding exon 3 of the SMARCA4 gene, results from a T to G substitution at nucleotide position 439. The serine at codon 147 is replaced by alanine, an amino acid with similar properties. This amino acid position is conserved. In addition, this alteration is predicted to be tolerated by in silico analysis. Based on the available evidence, the clinical significance of this variant remains unclear.

NM_003072.5(SMARCA4):c.439T>G (p.Ser147Ala)

Gene: SMARCA4 (SWI/SNF related BAF chromatin remodeling complex subunit ATPase 4; plus strand). Cytogenetic location: 19p13.2.
Variant type: single nucleotide variant.
Coding change: c.439T>G on transcript NM_003072.5 (MANE Select); coding-DNA position 439, T replaced by G.
Protein change: p.Ser147Ala; replaces serine 147 with alanine.
Molecular consequence: missense variant. On other transcripts: non-coding transcript variant (1).
Genome position (GRCh38, 1-based): chr19:10,986,272, T>G. VCF-style: chr19-10986272-T-G. GRCh37 (hg19) VCF-style: chr19-11096948-T-G.
Other names: c.439T>G, p.Ser147Ala (NM_001128844.3, NM_001128845.2, NM_001128846.2 and 6 more transcripts); short protein forms S147A.
Identifiers: ClinVar variation 4549471 (VCV004549471.1).